The following is an entry in ClinVar:

NM_014334.4(FRRS1L):c.740C>T (p.Pro247Leu)

Gene: FRRS1L (ferric chelate reductase 1 like; minus strand). Cytogenetic location: 9q31.3.
Variant type: single nucleotide variant.
Coding change: c.740C>T on transcript NM_014334.4 (MANE Select); coding-DNA position 740, C replaced by T.
Protein change: p.Pro247Leu; replaces proline 247 with leucine.
Molecular consequence: missense variant.
Genome position (GRCh38, 1-based): chr9:109,137,597, G>A on the plus strand (C>T on the coding strand, the complement: FRRS1L is on the minus strand). VCF-style: chr9-109137597-G-A. GRCh37 (hg19) VCF-style: chr9-111899877-G-A.
Other names: short protein forms P247L.
Identifiers: ClinVar variation 649021 (VCV000649021.10), dbSNP rs199731037, ClinGen allele CA5177324.

ClinVar aggregate classification (germline): Uncertain significance. Review status: criteria provided, multiple submitters, no conflicts (2 of 4 stars). 4 submissions from 4 submitters: Uncertain significance (4). Last evaluated 2024-06-28.

Conditions:
Developmental and epileptic encephalopathy, 37 (DEE37). Also called: Epileptic encephalopathy, early infantile, 37. Identifiers: MedGen C4310770, MONDO:0014859, OMIM 616981.

Allele frequency attached by ClinVar (database versions not stated): ExAC 0.00004; gnomAD exomes 0.00005 and 0.00012; gnomAD 0.00011; TOPMed 0.00013; ESP Exome Variant Server 0.00023.
gnomAD v4.1: 192 of 1,610,002 alleles (0.012%); highest among the groups gnomAD compares: Non-Finnish European, 0.015%; no homozygotes.

Submissions (4):

Blueprint Genetics
Classification: Uncertain significance. Last evaluated: 2024-06-28. Review status: criteria provided, single submitter. Criteria: ACMG Guidelines, 2015. Collection method: clinical testing. Allele origin: germline.

GeneDx
Classification: Uncertain significance. Last evaluated: 2023-10-02. Review status: criteria provided, single submitter. Criteria: GeneDx Variant Classification Process June 2021. Collection method: clinical testing. Allele origin: germline. Affected: yes.
Comment: Not observed at significant frequency in large population cohorts (gnomAD); In silico analysis supports that this missense variant has a deleterious effect on protein structure/function; Has not been previously published as pathogenic or benign to our knowledge; In silico analysis is inconclusive as to whether the variant alters gene splicing. In the absence of RNA/functional studies, the actual effect of this sequence change is unknown.

Labcorp Genetics (formerly Invitae), Labcorp
Classification: Uncertain significance for Developmental and epileptic encephalopathy, 37. Last evaluated: 2022-10-24. Review status: criteria provided, single submitter. Criteria: Invitae Variant Classification Sherloc (09022015). Collection method: clinical testing. Allele origin: germline.
Comment: This sequence change replaces proline, which is neutral and non-polar, with leucine, which is neutral and non-polar, at codon 298 of the FRRS1L protein (p.Pro298Leu). This variant is present in population databases (rs199731037, gnomAD 0.01%). This variant has not been reported in the literature in individuals affected with FRRS1L-related conditions. ClinVar contains an entry for this variant (Variation ID: 649021). Algorithms developed to predict the effect of missense changes on protein structure and function are either unavailable or do not agree on the potential impact of this missense change (SIFT: "Tolerated"; PolyPhen-2: "Probably Damaging"; Align-GVGD: "Class C25"). In summary, the available evidence is currently insufficient to determine the role of this variant in disease. Therefore, it has been classified as a Variant of Uncertain Significance.

Baylor Genetics
Classification: Uncertain significance for Developmental and epileptic encephalopathy, 37. Last evaluated: 2019-03-29. Review status: criteria provided, single submitter. Criteria: ACMG Guidelines, 2015. Collection method: clinical testing. Allele origin: unknown. Affected: yes.
Comment: This variant was determined to be of uncertain significance according to ACMG Guidelines, 2015 [PMID:25741868].